The following is an entry in ClinVar:

NM_005609.4(PYGM):c.999+9C>T

Gene: PYGM (glycogen phosphorylase, muscle associated; minus strand). Cytogenetic location: 11q13.1.
Variant type: single nucleotide variant.
Coding change: c.999+9C>T on transcript NM_005609.4 (MANE Select); 9 bases into the intron after coding-DNA position 999, C replaced by T.
Molecular consequence: intron variant.
Genome position (GRCh38, 1-based): chr11:64,754,684, G>A on the plus strand (C>T on the coding strand, the complement: PYGM is on the minus strand). VCF-style: chr11-64754684-G-A. GRCh37 (hg19) VCF-style: chr11-64522156-G-A.
Other names: c.735+9C>T (NM_001164716.1).
Identifiers: ClinVar variation 711512 (VCV000711512.14), dbSNP rs183026465, ClinGen allele CA6080051.

ClinVar aggregate classification (germline): Likely benign. Review status: criteria provided, single submitter (1 of 4 stars). 3 submissions from 3 submitters: Likely benign (1). 2 of the submissions do not count toward it. Last evaluated 2026-01-28.

Conditions:
Glycogen storage disease, type V (GSD5). Also called: MCARDLE DISEASE; MUSCLE GLYCOGEN PHOSPHORYLASE DEFICIENCY; MYOPHOSPHORYLASE DEFICIENCY; McArdle type glycogen storage disease; PYGM DEFICIENCY. Identifiers: Orphanet 368, MedGen C0017924, MONDO:0009293, OMIM 232600.
PYGM-related disorder. Also called: PYGM-related condition.

Allele frequency attached by ClinVar (database versions not stated): TOPMed 0.00009; 1000 Genomes Project 0.00040; 1000 Genomes Project 30x 0.00047.
gnomAD v4.1: 162 of 1,612,890 alleles (0.01%); highest among the groups gnomAD compares: Admixed American, 0.13%; 1 homozygote.

Submissions (3):

Labcorp Genetics (formerly Invitae), Labcorp
Classification: Likely benign for Glycogen storage disease, type V. Last evaluated: 2026-01-28. Review status: criteria provided, single submitter. Criteria: Invitae Variant Classification Sherloc (09022015). Collection method: clinical testing. Allele origin: germline.

PreventionGenetics, part of Exact Sciences
Classification: Likely benign for PYGM-related condition. Last evaluated: 2020-03-30. Review status: no assertion criteria provided. Collection method: clinical testing. Allele origin: germline. Not counted in ClinVar's aggregate classification.
Comment: This variant is classified as likely benign based on ACMG/AMP sequence variant interpretation guidelines (Richards et al. 2015 PMID: 25741868, with internal and published modifications).

Natera, Inc.
Classification: Uncertain significance for Glycogen storage disease V. Last evaluated: 2020-01-24. Review status: no assertion criteria provided. Collection method: clinical testing. Allele origin: germline. Not counted in ClinVar's aggregate classification.